The following is an entry in ClinVar:

NM_000277.3(PAH):c.289A>C (p.Ile97Leu)

Gene: PAH (phenylalanine hydroxylase; minus strand). Cytogenetic location: 12q23.2.
Variant type: single nucleotide variant.
Coding change: c.289A>C on transcript NM_000277.3 (MANE Select); coding-DNA position 289, A replaced by C.
Protein change: p.Ile97Leu; replaces isoleucine 97 with leucine.
Molecular consequence: missense variant.
Genome position (GRCh38, 1-based): chr12:102,894,798, T>G on the plus strand (A>C on the coding strand, the complement: PAH is on the minus strand). VCF-style: chr12-102894798-T-G. GRCh37 (hg19) VCF-style: chr12-103288576-T-G.
Other names: NM_000277.2(PAH):c.289A>C; c.289A>C, p.Ile97Leu (NM_001354304.2); short protein forms I97L.
Identifiers: ClinVar variation 376937 (VCV000376937.15), dbSNP rs142516271, ClinGen allele CA6748987.
Genomic context (GRCh38, chr12:102,894,798, plus strand): 5'-TGTCTTTCTTCTTATCTCGTGAAAGCTCATGGACAGTGGCACCAATGTCATGCCTCAAGA[T>G]CTTGATGATGTTTGTCAGAGCAGGCAGGCTACGTTTATCCAAATGGGTGAAAAATTCATA-3'
Protein context (NP_000268.1, residues 87-107): SLPALTNIIK[Ile97Leu]LRHDIGATVH

ClinVar aggregate classification (germline): Uncertain significance. Review status: reviewed by expert panel (3 of 4 stars). 7 submissions from 7 submitters: Uncertain significance (1). 6 of the submissions do not count toward it. Last evaluated 2018-08-07.

Conditions:
Phenylketonuria (PKU). Also called: OLIGOPHRENIA PHENYLPYRUVICA; Phenylketonurias; FOLLING DISEASE; Phenylketonuria (PKU). Identifiers: Orphanet 716, MedGen C0031485, MONDO:0009861, OMIM 261600. Disease mechanism: loss of function.

Allele frequency attached by ClinVar (database versions not stated): ExAC 0.00014; gnomAD 0.00053 and 0.00057; TOPMed 0.00056; ESP Exome Variant Server 0.00069; 1000 Genomes Project 30x 0.00078; 1000 Genomes Project 0.00100.
gnomAD v4.1: 147 of 1,614,064 alleles (0.0091%); highest among the groups gnomAD compares: African/African-American, 0.17%; no homozygotes.

Submissions (7):

ClinGen PAH Variant Curation Expert Panel
Classification: Uncertain significance for Phenylketonuria. Last evaluated: 2018-08-07. Review status: reviewed by expert panel. Criteria: ClinGen PAH ACMG Specifications v1. Collection method: curation. Allele origin: germline. Inheritance: Autosomal recessive inheritance.
Comment: PAH-specific ACMG/AMP criteria applied: BP4: Tolerated in SIFT, benign in Polyphen-2, Polymorphism in MutationTaster. REVEL=0.511; PP4: Seen in patient with mild HPA (PMID:17627389). In summary this variant meets criteria to be classified as uncertain significance for phenylketonuria in an autosomal recessive manner based on the ACMG/AMP criteria applied as specified by the PAH Expert Panel: (BP4, PP4).

Mendelics
Classification: Uncertain significance for Phenylketonuria. Last evaluated: 2026-03-05. Review status: criteria provided, single submitter. Criteria: ACMG Guidelines, 2015. Collection method: clinical testing. Allele origin: unknown. Not counted in ClinVar's aggregate classification.
Comment: The available evidence is insufficient to conclusively determine the role of this variant. Therefore, it is classified as a Variant of Uncertain Significance.

Labcorp Genetics (formerly Invitae), Labcorp
Classification: Uncertain significance for Phenylketonuria. Last evaluated: 2025-01-15. Review status: criteria provided, single submitter. Criteria: Invitae Variant Classification Sherloc (09022015). Collection method: clinical testing. Allele origin: germline. Not counted in ClinVar's aggregate classification.
Comment: This sequence change replaces isoleucine, which is neutral and non-polar, with leucine, which is neutral and non-polar, at codon 97 of the PAH protein (p.Ile97Leu). This variant is present in population databases (rs142516271, gnomAD 0.2%). This missense change has been observed in individual(s) with mild hyperphenylalaninemia (PMID: 17627389). In at least one individual the data is consistent with being in trans (on the opposite chromosome) from a pathogenic variant. ClinVar contains an entry for this variant (Variation ID: 376937). Invitae Evidence Modeling of protein sequence and biophysical properties (such as structural, functional, and spatial information, amino acid conservation, physicochemical variation, residue mobility, and thermodynamic stability) indicates that this missense variant is not expected to disrupt PAH protein function with a negative predictive value of 80%. In summary, the available evidence is currently insufficient to determine the role of this variant in disease. Therefore, it has been classified as a Variant of Uncertain Significance.

Women's Health and Genetics/Laboratory Corporation of America, LabCorp
Classification: Uncertain significance. Last evaluated: 2024-01-12. Review status: criteria provided, single submitter. Criteria: LabCorp Variant Classification Summary - May 2015. Collection method: clinical testing. Allele origin: germline. Not counted in ClinVar's aggregate classification.
Comment: Variant summary: PAH c.289A>C (p.Ile97Leu) results in a conservative amino acid change located in the ACT domain (IPR002912) of the encoded protein sequence. Five of five in-silico tools predict a benign effect of the variant on protein function. The variant allele was found at a frequency of 0.00016 in 251446 control chromosomes. This frequency is not significantly higher than estimated for a pathogenic variant in PAH causing Phenylalanine Hydroxylase Deficiency (Phenylketonuria) (0.00016 vs 0.0079), allowing no conclusion about variant significance. c.289A>C has been reported in the literature in individuals affected with persistent hyperphenylalaninemia. These report(s) do not provide unequivocal conclusions about association of the variant with Phenylalanine Hydroxylase Deficiency (Phenylketonuria). To our knowledge, no experimental evidence demonstrating an impact on protein function has been reported. The following publications have been ascertained in the context of this evaluation (PMID: 30311390, 17627389). ClinVar contains an entry for this variant (Variation ID: 376937). Based on the evidence outlined above, the variant was classified as uncertain significance.

Center for Pediatric Genomic Medicine, Children's Mercy Hospital and Clinics
Classification: Uncertain significance. Last evaluated: 2016-04-25. Review status: criteria provided, single submitter. Criteria: ACMG Guidelines, 2015. Collection method: clinical testing. Allele origin: germline. Not counted in ClinVar's aggregate classification.
ClinVar note: Converted during submission from Uncertain Significance to Uncertain significance.

Natera, Inc.
Classification: Uncertain significance for Phenylketonuria. Last evaluated: 2020-04-07. Review status: no assertion criteria provided. Collection method: clinical testing. Allele origin: germline. Not counted in ClinVar's aggregate classification.

Counsyl
Classification: Uncertain significance for Phenylketonuria. Last evaluated: 2017-01-25. Review status: no assertion criteria provided. Collection method: clinical testing. Allele origin: unknown. Not counted in ClinVar's aggregate classification.

Literature cited by the submitters: PubMed 17627389 (cited by 4 submitters); PubMed 30311390 (cited by Women's Health and Genetics/Laboratory Corporation of America, LabCorp); PubMed 22995991 (cited by Counsyl).